The following is an entry in ClinVar:

NM_018196.4(TMLHE):c.705del (p.Lys236fs)

Gene: TMLHE (trimethyllysine hydroxylase, epsilon; minus strand). Cytogenetic location: Xq28.
Variant type: Deletion.
Coding change: c.705del on transcript NM_018196.4 (MANE Select); coding-DNA position 705, one base deleted (C; older notation c.705delC).
Protein change: p.Lys236fs; shifts the reading frame from lysine 236.
Molecular consequence: frameshift variant.
Genome position (GRCh38, 1-based): chrX:155,511,726, G deleted on the plus strand (C on the coding strand, the reverse complement: TMLHE is on the minus strand); the first of 2 consecutive G bases (chrX:155,511,726-155,511,727); deleting either gives the same sequence. VCF-style (leftmost placement, unchanged base first): chrX-155511725-TG-T. GRCh37 (hg19) VCF-style: chrX-154741386-TG-T.
Other names: c.705del, p.Lys236fs (NM_001184797.2); short protein forms K236fs.
Identifiers: ClinVar variation 4883893 (VCV004883893.2).

ClinVar aggregate classification (germline): Uncertain significance (1 of 4 stars; one submission).

Conditions:
Epsilon-trimethyllysine hydroxylase deficiency. Also called: Autism, susceptibility to, X-linked 6. Identifiers: MedGen C3550875, MONDO:0010469, OMIM 300872.

Submission:

Dasa
Classification: Uncertain significance for Epsilon-trimethyllysine hydroxylase deficiency. Last evaluated: 2025-10-20. Review status: criteria provided, single submitter. Criteria: DASA Assertion Criteria. Collection method: clinical testing. Allele origin: germline.
Comment: NM_018196.4(TMLHE):c.705del (p.Lys236Serfs*2) is a frameshift variant in TMLHE predicted to alter the reading frame and introduce a premature termination codon. This variant is rare in population databases. The currently available literature and clinical evidence are not sufficient to establish a definitive association between this variant and the reported condition. Therefore, this variant is classified as a variant of uncertain significance.